The following is an entry in ClinVar:

NM_006361.6(HOXB13):c.563A>G (p.Gln188Arg)

Gene: HOXB13 (homeobox B13; minus strand). Cytogenetic location: 17q21.32.
Variant type: single nucleotide variant.
Coding change: c.563A>G on transcript NM_006361.6 (MANE Select); coding-DNA position 563, A replaced by G.
Protein change: p.Gln188Arg; replaces glutamine 188 with arginine.
Molecular consequence: missense variant.
Genome position (GRCh38, 1-based): chr17:48,728,031, T>C on the plus strand (A>G on the coding strand, the complement: HOXB13 is on the minus strand). VCF-style: chr17-48728031-T-C. GRCh37 (hg19) VCF-style: chr17-46805393-T-C.
Other names: short protein forms Q188R.
Identifiers: ClinVar variation 956348 (VCV000956348.13), dbSNP rs779330626, ClinGen allele CA8633969.

ClinVar aggregate classification (germline): Uncertain significance. Review status: criteria provided, multiple submitters, no conflicts (2 of 4 stars). 4 submissions from 4 submitters: Uncertain significance (4). Last evaluated 2026-01-28.

Conditions:
Prostate cancer, hereditary, 9 (HPC9). Identifiers: Orphanet 1331, MedGen C1970250, MONDO:0012597, OMIM 610997.
Hereditary cancer-predisposing syndrome. Also called: Hereditary neoplastic syndrome; Tumor predisposition; Neoplastic Syndromes, Hereditary; Hereditary Cancer Syndrome. Identifiers: Orphanet 140162, MedGen C0027672, MeSH D009386, MONDO:0015356.

Allele frequency attached by ClinVar (database versions not stated): gnomAD exomes below 0.00001; ExAC 0.00001; gnomAD 0.00001; TOPMed 0.00002.

Submissions (4):

Labcorp Genetics (formerly Invitae), Labcorp
Classification: Uncertain significance. Last evaluated: 2026-01-28. Review status: criteria provided, single submitter. Criteria: Invitae Variant Classification Sherloc (09022015). Collection method: clinical testing. Allele origin: germline.
Comment: This sequence change replaces glutamine, which is neutral and polar, with arginine, which is basic and polar, at codon 188 of the HOXB13 protein (p.Gln188Arg). This variant is present in population databases (rs779330626, gnomAD 0.008%). This variant has not been reported in the literature in individuals affected with HOXB13-related conditions. ClinVar contains an entry for this variant (Variation ID: 956348). Invitae Evidence Modeling of protein sequence and biophysical properties (such as structural, functional, and spatial information, amino acid conservation, physicochemical variation, residue mobility, and thermodynamic stability) indicates that this missense variant is not expected to disrupt HOXB13 protein function with a negative predictive value of 80%. In summary, the available evidence is currently insufficient to determine the role of this variant in disease. Therefore, it has been classified as a Variant of Uncertain Significance.

Ambry Genetics
Classification: Uncertain significance for Hereditary cancer-predisposing syndrome. Last evaluated: 2025-04-22. Review status: criteria provided, single submitter. Criteria: Ambry Variant Classification Scheme 2023. Collection method: clinical testing. Allele origin: germline.
Comment: The p.Q188R variant (also known as c.563A>G), located in coding exon 1 of the HOXB13 gene, results from an A to G substitution at nucleotide position 563. The glutamine at codon 188 is replaced by arginine, an amino acid with highly similar properties. This amino acid position is highly conserved in available vertebrate species. In addition, the in silico prediction for this alteration is inconclusive. Based on the available evidence, the clinical significance of this variant remains unclear.

GeneDx
Classification: Uncertain significance. Last evaluated: 2025-02-20. Review status: criteria provided, single submitter. Criteria: GeneDx Variant Classification Process June 2021. Collection method: clinical testing. Allele origin: germline. Affected: yes.
Comment: Not observed at significant frequency in large population cohorts (gnomAD); In silico analysis supports that this missense variant has a deleterious effect on protein structure/function; Has not been previously published as pathogenic or benign to our knowledge; This variant is associated with the following publications: (PMID: 19389631, 28272408)

Department of Pathology and Laboratory Medicine, Sinai Health System
Classification: Uncertain significance for Prostate cancer, hereditary, 9. Last evaluated: 2023-01-10. Review status: criteria provided, single submitter. Criteria: ACMG Guidelines, 2015. Collection method: clinical testing. Allele origin: germline. Affected: yes.